The following is an entry in ClinVar:

ClinVar aggregate classification (germline): Uncertain significance. Review status: criteria provided, multiple submitters, no conflicts (2 of 4 stars). 2 submissions from 2 submitters: Uncertain significance (2). Last evaluated 2025-11-15.

Conditions:
Intellectual disability-severe speech delay-mild dysmorphism syndrome (IDDLA). Also called: FOXP1 Syndrome; Mental retardation with language impairment and autistic features; Intellectual developmental disorder with language impairment AND with or without autistic features. Identifiers: Orphanet 391372, MedGen C4013764, MONDO:0013352, OMIM 613670.

Allele frequency attached by ClinVar (database versions not stated): ExAC 0.00001; gnomAD 0.00001; TOPMed 0.00002; gnomAD exomes 0.00005.
gnomAD v4.1: 71 of 1,613,934 alleles (0.0044%); highest among the groups gnomAD compares: Non-Finnish European, 0.0057%; no homozygotes.

Submissions (2):

Labcorp Genetics (formerly Invitae), Labcorp
Classification: Uncertain significance. Last evaluated: 2025-11-15. Review status: criteria provided, single submitter. Criteria: Invitae Variant Classification Sherloc (09022015). Collection method: clinical testing. Allele origin: germline.
Comment: This sequence change replaces isoleucine, which is neutral and non-polar, with valine, which is neutral and non-polar, at codon 207 of the FOXP1 protein (p.Ile207Val). This variant is present in population databases (rs771358062, gnomAD 0.004%). This variant has not been reported in the literature in individuals affected with FOXP1-related conditions. ClinVar contains an entry for this variant (Variation ID: 1982794). Invitae Evidence Modeling of protein sequence and biophysical properties (such as structural, functional, and spatial information, amino acid conservation, physicochemical variation, residue mobility, and thermodynamic stability) indicates that this missense variant is not expected to disrupt FOXP1 protein function with a negative predictive value of 80%. In summary, the available evidence is currently insufficient to determine the role of this variant in disease. Therefore, it has been classified as a Variant of Uncertain Significance.

Revvity Omics, Revvity
Classification: Uncertain significance for Intellectual disability-severe speech delay-mild dysmorphism syndrome. Last evaluated: 2020-04-15. Review status: criteria provided, single submitter. Criteria: ACMG Guidelines, 2015. Collection method: clinical testing. Allele origin: germline.

NM_001349338.3(FOXP1):c.619A>G (p.Ile207Val)

Gene: FOXP1 (forkhead box P1; minus strand). Cytogenetic location: 3p13.
Variant type: single nucleotide variant.
Coding change: c.619A>G on transcript NM_001349338.3 (MANE Select); coding-DNA position 619, A replaced by G.
Protein change: p.Ile207Val; replaces isoleucine 207 with valine.
Molecular consequence: missense variant. On other transcripts: non-coding transcript variant (2).
Genome position (GRCh38, 1-based): chr3:71,046,987, T>C on the plus strand (A>G on the coding strand, the complement: FOXP1 is on the minus strand). VCF-style: chr3-71046987-T-C. GRCh37 (hg19) VCF-style: chr3-71096138-T-C.
Other names: c.619A>G, p.Ile207Val (NM_001244808.3, NM_001244810.2, NM_001244814.3 and 4 more transcripts); c.391A>G, p.Ile131Val (NM_001244812.3); c.319A>G, p.Ile107Val (NM_001244813.3, NM_001244815.2, NM_001349342.3 and 1 more transcripts); c.316A>G, p.Ile106Val (NM_001349337.2, NM_001349343.3, NM_001349344.3); c.616A>G, p.Ile206Val (NM_001349341.3); c.619A>G (NM_032682.5); short protein forms I106V, I206V, I131V, I107V, I207V.
Identifiers: ClinVar variation 1982794 (VCV001982794.7), dbSNP rs771358062, ClinGen allele CA2491220.
Genomic context (GRCh38, chr3:71,046,987, plus strand): 5'-AAAATCAACGCATACCTTGAGCAAGAGGTTGAAGGGGAAGGGCAGGCTGCCCGGGCTGAA[T>C]TGTCAGAAGGCCTTGGCGCTGCAAAGACAGGAGGTGCTGCTGCTGTAACTGCTGCATCTG-3'
Protein context (NP_001336267.1, residues 197-217): LSLQRQGLLT[Ile207Val]QPGQPALPLQ